The following is an entry in ClinVar:

ClinVar aggregate classification (germline): Uncertain significance (1 of 4 stars; one submission).

Submission:

Labcorp Genetics (formerly Invitae), Labcorp
Classification: Uncertain significance. Last evaluated: 2025-10-14. Review status: criteria provided, single submitter. Criteria: Invitae Variant Classification Sherloc (09022015). Collection method: clinical testing. Allele origin: germline.
Comment: This sequence change replaces lysine, which is basic and polar, with arginine, which is basic and polar, at codon 167 of the CBX2 protein (p.Lys167Arg). This variant is not present in population databases (gnomAD no frequency). This variant has not been reported in the literature in individuals affected with CBX2-related conditions. Invitae Evidence Modeling of protein sequence and biophysical properties (such as structural, functional, and spatial information, amino acid conservation, physicochemical variation, residue mobility, and thermodynamic stability) has been performed for this missense variant. However, the output from this modeling did not meet the statistical confidence thresholds required to predict the impact of this variant on CBX2 protein function. In summary, the available evidence is currently insufficient to determine the role of this variant in disease. Therefore, it has been classified as a Variant of Uncertain Significance.

NM_005189.3(CBX2):c.500A>G (p.Lys167Arg)

Gene: CBX2 (chromobox 2; plus strand). Cytogenetic location: 17q25.3.
Variant type: single nucleotide variant.
Coding change: c.500A>G on transcript NM_005189.3 (MANE Select); coding-DNA position 500, A replaced by G.
Protein change: p.Lys167Arg; replaces lysine 167 with arginine.
Molecular consequence: missense variant.
Genome position (GRCh38, 1-based): chr17:79,783,943, A>G. VCF-style: chr17-79783943-A-G. GRCh37 (hg19) VCF-style: chr17-77757742-A-G.
Other names: short protein forms K167R.
Identifiers: ClinVar variation 4745515 (VCV004745515.1).